The following is an entry in ClinVar:

ClinVar aggregate classification (germline): Uncertain significance (1 of 4 stars; one submission).

Conditions:
Spermatogenic failure 18. Identifiers: MedGen C4539783, MONDO:0054615, OMIM 617576.
Ciliary dyskinesia, primary, 37 (CILD37). Also called: CILIARY DYSKINESIA, PRIMARY, 37, WITH OR WITHOUT SITUS INVERSUS. Identifiers: MedGen C4539798, MONDO:0033204, OMIM 617577.

Submission:

Labcorp Genetics (formerly Invitae), Labcorp
Classification: Uncertain significance for Ciliary dyskinesia, primary, 37; Spermatogenic failure 18. Last evaluated: 2024-02-13. Review status: criteria provided, single submitter. Criteria: Invitae Variant Classification Sherloc (09022015). Collection method: clinical testing. Allele origin: germline.
Comment: This sequence change replaces valine, which is neutral and non-polar, with leucine, which is neutral and non-polar, at codon 886 of the DNAH1 protein (p.Val886Leu). This variant is not present in population databases (gnomAD no frequency). This variant has not been reported in the literature in individuals affected with DNAH1-related conditions. Advanced modeling of protein sequence and biophysical properties (such as structural, functional, and spatial information, amino acid conservation, physicochemical variation, residue mobility, and thermodynamic stability) performed at Invitae indicates that this missense variant is not expected to disrupt DNAH1 protein function with a negative predictive value of 80%. In summary, the available evidence is currently insufficient to determine the role of this variant in disease. Therefore, it has been classified as a Variant of Uncertain Significance.

NM_015512.5(DNAH1):c.2656G>T (p.Val886Leu)

Gene: DNAH1 (dynein axonemal heavy chain 1; plus strand). Cytogenetic location: 3p21.1.
Variant type: single nucleotide variant.
Coding change: c.2656G>T on transcript NM_015512.5 (MANE Select); coding-DNA position 2656, G replaced by T.
Protein change: p.Val886Leu; replaces valine 886 with leucine.
Molecular consequence: missense variant.
Genome position (GRCh38, 1-based): chr3:52,350,517, G>T. VCF-style: chr3-52350517-G-T. GRCh37 (hg19) VCF-style: chr3-52384533-G-T.
Other names: short protein forms V886L.
Identifiers: ClinVar variation 3753477 (VCV003753477.2).
Genomic context (GRCh38, chr3:52,350,517, plus strand): 5'-CCACCACCTCCCTGGCACACGTGAAGTTCTCATTACCACCTGTCTGTGCAGGAGCGGATT[G>T]TGAAGGTCATGGATGACTACCAGGTCATGGATGAATTCCTCTACAACCTCAGCTCAGATG-3'
Protein context (NP_056327.4, residues 876-896): ERLVGLEERI[Val886Leu]KVMDDYQVMD